The following is an entry in ClinVar:

NM_004333.6(BRAF):c.1662A>G (p.Ile554Met)

Gene: BRAF (B-Raf proto-oncogene, serine/threonine kinase; minus strand). Cytogenetic location: 7q34.
Variant type: single nucleotide variant.
Coding change: c.1662A>G on transcript NM_004333.6 (MANE Select); coding-DNA position 1662, A replaced by G.
Protein change: p.Ile554Met; replaces isoleucine 554 with methionine.
Molecular consequence: missense variant.
Genome position (GRCh38, 1-based): chr7:140,776,944, T>C on the plus strand (A>G on the coding strand, the complement: BRAF is on the minus strand). VCF-style: chr7-140776944-T-C. GRCh37 (hg19) VCF-style: chr7-140476744-T-C.
Other names: c.1662A>G, p.Ile554Met (NM_001354609.2, NM_001378468.1, NM_001378474.1); c.1782A>G, p.Ile594Met (NM_001374244.1, NM_001374258.1); c.1671A>G, p.Ile557Met (NM_001378467.1); c.1596A>G, p.Ile532Met (NM_001378469.1); c.1560A>G, p.Ile520Met (NM_001378470.1); c.1551A>G, p.Ile517Met (NM_001378471.1); c.1506A>G, p.Ile502Met (NM_001378472.1, NM_001378473.1); c.1398A>G, p.Ile466Met (NM_001378475.1); short protein forms I466M, I502M, I517M, I520M, I532M, I554M, I557M, I594M.
Identifiers: ClinVar variation 1060771 (VCV001060771.9), dbSNP rs2129018241, ClinGen allele CA369587873.

ClinVar aggregate classification (germline): Uncertain significance (1 of 4 stars; one submission).

Conditions:
RASopathy. Also called: rasopathies; Noonan spectrum disorder. Identifiers: Orphanet 536391, MedGen C5555857, MONDO:0021060.

Submission:

Labcorp Genetics (formerly Invitae), Labcorp
Classification: Uncertain significance for RASopathy. Last evaluated: 2020-05-15. Review status: criteria provided, single submitter. Criteria: Invitae Variant Classification Sherloc (09022015). Collection method: clinical testing. Allele origin: germline.
Comment: In summary, the available evidence is currently insufficient to determine the role of this variant in disease. Therefore, it has been classified as a Variant of Uncertain Significance. Algorithms developed to predict the effect of missense changes on protein structure and function are either unavailable or do not agree on the potential impact of this missense change (SIFT: "Deleterious"; PolyPhen-2: "Probably Damaging"; Align-GVGD: "Class C0"). This variant has not been reported in the literature in individuals with BRAF-related conditions. This variant is not present in population databases (ExAC no frequency). This sequence change replaces isoleucine with methionine at codon 554 of the BRAF protein (p.Ile554Met). The isoleucine residue is highly conserved and there is a small physicochemical difference between isoleucine and methionine.